The following is an entry in ClinVar:

NM_001287491.2(TET3):c.2612G>T (p.Arg871Leu)

Gene: TET3 (tet methylcytosine dioxygenase 3; plus strand). Cytogenetic location: 2p13.1.
Variant type: single nucleotide variant.
Coding change: c.2612G>T on transcript NM_001287491.2 (MANE Select); coding-DNA position 2612, G replaced by T.
Protein change: p.Arg871Leu; replaces arginine 871 with leucine.
Molecular consequence: missense variant.
Genome position (GRCh38, 1-based): chr2:74,080,524, G>T. VCF-style: chr2-74080524-G-T. GRCh37 (hg19) VCF-style: chr2-74307651-G-T.
Other names: c.2333G>T, p.Arg778Leu (NM_001366022.1); short protein forms R778L, R871L.
Identifiers: ClinVar variation 1697018 (VCV001697018.2), dbSNP rs1188197678, ClinGen allele CA347309004.
Genomic context (GRCh38, chr2:74,080,524, plus strand): 5'-CTGTGCTAATGGTGGCTTCTGTCTCCCTCTTCAGGTATGGAGAGAAGGGGAAAGCCATCC[G>T]GATCGAGAAGGTCATCTACACGGGGAAGGAGGGAAAGAGCTCCCGCGGTTGCCCCATTGC-3'
Protein context (NP_001274420.1, residues 861-881): ERYGEKGKAI[Arg871Leu]IEKVIYTGKE

ClinVar aggregate classification (germline): Uncertain significance (1 of 4 stars; one submission).

Submission:

GeneDx
Classification: Uncertain significance. Last evaluated: 2022-01-12. Review status: criteria provided, single submitter. Criteria: GeneDx Variant Classification Process June 2021. Collection method: clinical testing. Allele origin: germline. Affected: yes.
Comment: Not observed at significant frequency in large population cohorts (gnomAD); In silico analysis supports that this missense variant has a deleterious effect on protein structure/function; Has not been previously published as pathogenic or benign to our knowledge